The following is an entry in ClinVar:

NM_001089.3(ABCA3):c.1064T>C (p.Ile355Thr)

Gene: ABCA3 (ATP binding cassette subfamily A member 3; minus strand). Cytogenetic location: 16p13.3.
Variant type: single nucleotide variant.
Coding change: c.1064T>C on transcript NM_001089.3 (MANE Select); coding-DNA position 1064, T replaced by C.
Protein change: p.Ile355Thr; replaces isoleucine 355 with threonine.
Molecular consequence: missense variant.
Genome position (GRCh38, 1-based): chr16:2,317,330, A>G on the plus strand (T>C on the coding strand, the complement: ABCA3 is on the minus strand). VCF-style: chr16-2317330-A-G. GRCh37 (hg19) VCF-style: chr16-2367331-A-G.
Other names: short protein forms I355T.
Identifiers: ClinVar variation 4809138 (VCV004809138.1).

ClinVar aggregate classification (germline): Uncertain significance (1 of 4 stars; one submission).

gnomAD v4.1: 3 of 1,614,028 alleles (0.00019%); highest among the groups gnomAD compares: Middle Eastern, 0.033%; no homozygotes.

Submission:

Labcorp Genetics (formerly Invitae), Labcorp
Classification: Uncertain significance. Last evaluated: 2026-01-26. Review status: criteria provided, single submitter. Criteria: Invitae Variant Classification Sherloc (09022015). Collection method: clinical testing. Allele origin: germline.
Comment: This sequence change replaces isoleucine, which is neutral and non-polar, with threonine, which is neutral and polar, at codon 355 of the ABCA3 protein (p.Ile355Thr). This variant is present in population databases (rs779653441, gnomAD 0.0009%). This variant has not been reported in the literature in individuals affected with ABCA3-related conditions. Invitae Evidence Modeling of protein sequence and biophysical properties (such as structural, functional, and spatial information, amino acid conservation, physicochemical variation, residue mobility, and thermodynamic stability) indicates that this missense variant is not expected to disrupt ABCA3 protein function with a negative predictive value of 80%. In summary, the available evidence is currently insufficient to determine the role of this variant in disease. Therefore, it has been classified as a Variant of Uncertain Significance.